The following is an entry in ClinVar:

ClinVar aggregate classification (germline): Likely benign (1 of 4 stars; one submission).

Allele frequency attached by ClinVar (database versions not stated): TOPMed 0.00001.
gnomAD v4.1: 2 of 1,612,606 alleles (0.00012%); highest among the groups gnomAD compares: South Asian, 0.0022%; no homozygotes.

Submission:

CeGaT Center for Human Genetics Tuebingen
Classification: Likely benign. Last evaluated: 2023-03-01. Review status: criteria provided, single submitter. Criteria: CeGaT Center For Human Genetics Tuebingen Variant Classification Criteria Version 2. Collection method: clinical testing. Allele origin: germline. Affected: yes. Observed: 2 variant alleles.
Comment: CARD14: BP4, BP7

NM_001366385.1(CARD14):c.1428C>A (p.Pro476=)

Gene: CARD14 (caspase recruitment domain family member 14; plus strand). Cytogenetic location: 17q25.3.
Variant type: single nucleotide variant.
Coding change: c.1428C>A on transcript NM_001366385.1 (MANE Select); coding-DNA position 1428, C replaced by A.
Protein change: p.Pro476=; no amino-acid change (proline 476 retained).
Molecular consequence: synonymous variant. On other transcripts: non-coding transcript variant (1).
Genome position (GRCh38, 1-based): chr17:80,195,262, C>A. VCF-style: chr17-80195262-C-A. GRCh37 (hg19) VCF-style: chr17-78169061-C-A.
Other names: c.1428C>A, p.Pro476= (NM_001257970.1, NM_024110.4); c.717C>A, p.Pro239= (NM_052819.3).
Identifiers: ClinVar variation 374708 (VCV000374708.43), dbSNP rs368432283, ClinGen allele CA16043859.